The following is an entry in ClinVar:

NM_001365951.3(KIF1B):c.4895C>T (p.Ser1632Phe)

Gene: KIF1B (kinesin family member 1B; plus strand). Cytogenetic location: 1p36.22.
Variant type: single nucleotide variant.
Coding change: c.4895C>T on transcript NM_001365951.3 (MANE Select); coding-DNA position 4895, C replaced by T.
Protein change: p.Ser1632Phe; replaces serine 1632 with phenylalanine.
Molecular consequence: missense variant.
Genome position (GRCh38, 1-based): chr1:10,371,211, C>T. VCF-style: chr1-10371211-C-T. GRCh37 (hg19) VCF-style: chr1-10431269-C-T.
Other names: c.4895C>T, p.Ser1632Phe (NM_001365952.1); c.4757C>T, p.Ser1586Phe (NM_015074.3); short protein forms S1586F, S1632F.
Identifiers: ClinVar variation 1720318 (VCV001720318.5), dbSNP rs2521952149, ClinGen allele CA338327636.

ClinVar aggregate classification (germline): Uncertain significance (1 of 4 stars; one submission).

Conditions:
Charcot-Marie-Tooth disease type 2. Also called: Charcot-Marie-Tooth type 2. Identifiers: Orphanet 64746, MedGen C0270914, MONDO:0018993.

Submission:

Labcorp Genetics (formerly Invitae), Labcorp
Classification: Uncertain significance for Charcot-Marie-Tooth disease type 2. Last evaluated: 2022-09-25. Review status: criteria provided, single submitter. Criteria: Invitae Variant Classification Sherloc (09022015). Collection method: clinical testing. Allele origin: germline.
Comment: This sequence change replaces serine, which is neutral and polar, with phenylalanine, which is neutral and non-polar, at codon 1586 of the KIF1B protein (p.Ser1586Phe). In summary, the available evidence is currently insufficient to determine the role of this variant in disease. Therefore, it has been classified as a Variant of Uncertain Significance. Algorithms developed to predict the effect of missense changes on protein structure and function are either unavailable or do not agree on the potential impact of this missense change (SIFT: "Deleterious"; PolyPhen-2: "Probably Damaging"; Align-GVGD: "Class C0"). This variant has not been reported in the literature in individuals affected with KIF1B-related conditions. This variant is not present in population databases (gnomAD no frequency).